The following is an entry in ClinVar:

NM_002474.3(MYH11):c.4244A>G (p.Tyr1415Cys)

Genes: NDE1 (nudE neurodevelopment protein 1; plus strand), MYH11 (myosin heavy chain 11; minus strand). Cytogenetic location: 16p13.11.
Variant type: single nucleotide variant.
Coding change: c.4244A>G on transcript NM_002474.3 (MANE Select); coding-DNA position 4244, A replaced by G.
Protein change: p.Tyr1415Cys; replaces tyrosine 1415 with cysteine.
Molecular consequence: missense variant. On other transcripts: 3 prime UTR variant (2).
Genome position (GRCh38, 1-based): chr16:15,724,282, T>C on the plus strand (A>G on the coding strand, the complement: MYH11 is on the minus strand). VCF-style: chr16-15724282-T-C. GRCh37 (hg19) VCF-style: chr16-15818139-T-C.
Other names: c.4265A>G, p.Tyr1422Cys (NM_001040113.2, NM_001040114.2); c.4244A>G, p.Tyr1415Cys (NM_022844.3); c.*31T>C (NM_001143979.2, NM_017668.3); short protein forms Y1422C, Y1415C.
Identifiers: ClinVar variation 1739024 (VCV001739024.2), dbSNP rs2040634033, ClinGen allele CA394857272.

ClinVar aggregate classification (germline): Uncertain significance (1 of 4 stars; one submission).

Conditions:
Familial thoracic aortic aneurysm and aortic dissection (TAAD). Also called: Thoracic aortic aneurysms and dissections. Identifiers: Orphanet 91387, MedGen C4707243, MONDO:0019625.

Allele frequency attached by ClinVar (database versions not stated): gnomAD exomes 0.00001.
gnomAD v4.1: 9 of 1,614,176 alleles (0.00056%); highest among the groups gnomAD compares: Non-Finnish European, 0.00076%; no homozygotes.

Submission:

Ambry Genetics
Classification: Uncertain significance for Familial thoracic aortic aneurysm and aortic dissection. Last evaluated: 2021-07-07. Review status: criteria provided, single submitter. Criteria: Ambry Variant Classification Scheme 2023. Collection method: clinical testing. Allele origin: germline.
Comment: The p.Y1415C variant (also known as c.4244A>G), located in coding exon 30 of the MYH11 gene, results from an A to G substitution at nucleotide position 4244. The tyrosine at codon 1415 is replaced by cysteine, an amino acid with highly dissimilar properties. This amino acid position is well conserved in available vertebrate species. In addition, this alteration is predicted to be tolerated by in silico analysis. Since supporting evidence is limited at this time, the clinical significance of this alteration remains unclear.